The following is an entry in ClinVar:

NM_022124.6(CDH23):c.7807G>A (p.Asp2603Asn)

Gene: CDH23 (cadherin related 23; plus strand). Cytogenetic location: 10q22.1.
Variant type: single nucleotide variant.
Coding change: c.7807G>A on transcript NM_022124.6 (MANE Select); coding-DNA position 7807, G replaced by A.
Protein change: p.Asp2603Asn; replaces aspartic acid 2603 with asparagine.
Molecular consequence: missense variant.
Genome position (GRCh38, 1-based): chr10:71,803,355, G>A. VCF-style: chr10-71803355-G-A. GRCh37 (hg19) VCF-style: chr10-73563112-G-A.
Other names: c.1087G>A, p.Asp363Asn (NM_001171933.1, NM_001171934.1); c.7807G>A (NM_022124.5); short protein forms D2603N, D363N.
Identifiers: ClinVar variation 1000052 (VCV001000052.9), dbSNP rs780640943, ClinGen allele CA5546438.

ClinVar aggregate classification (germline): Uncertain significance. Review status: criteria provided, multiple submitters, no conflicts (2 of 4 stars). 4 submissions from 4 submitters: Uncertain significance (3). 1 of the submissions does not count toward it. Last evaluated 2024-10-04.

Conditions:
Inborn genetic diseases. Identifiers: MedGen C0950123, MeSH D030342.
Usher syndrome type 1 (USH1). Also called: RETINITIS PIGMENTOSA AND CONGENITAL DEAFNESS. Identifiers: Orphanet 231169, Orphanet 886, MedGen C1568247, MONDO:0010168, OMIM 276900.

Allele frequency attached by ClinVar (database versions not stated): gnomAD exomes 0.00003 and 0.00002; gnomAD 0.00001 and below 0.00001; TOPMed 0.00001; ExAC 0.00002.
gnomAD v4.1: 23 of 1,598,670 alleles (0.0014%); highest among the groups gnomAD compares: South Asian, 0.015%; no homozygotes.

Submissions (4):

Ambry Genetics
Classification: Uncertain significance for Inborn genetic diseases. Last evaluated: 2024-10-04. Review status: criteria provided, single submitter. Criteria: Ambry Variant Classification Scheme 2023. Collection method: clinical testing. Allele origin: germline.

Labcorp Genetics (formerly Invitae), Labcorp
Classification: Uncertain significance. Last evaluated: 2022-08-16. Review status: criteria provided, single submitter. Criteria: Invitae Variant Classification Sherloc (09022015). Collection method: clinical testing. Allele origin: germline.
Comment: This sequence change replaces aspartic acid, which is acidic and polar, with asparagine, which is neutral and polar, at codon 2603 of the CDH23 protein (p.Asp2603Asn). The frequency data for this variant in the population databases is considered unreliable, as metrics indicate poor data quality at this position in the gnomAD database. This missense change has been observed in individual(s) with deafness (Invitae). ClinVar contains an entry for this variant (Variation ID: 1000052). Algorithms developed to predict the effect of missense changes on protein structure and function are either unavailable or do not agree on the potential impact of this missense change (SIFT: "Deleterious"; PolyPhen-2: "Not Available"; Align-GVGD: "Class C0"). In summary, the available evidence is currently insufficient to determine the role of this variant in disease. Therefore, it has been classified as a Variant of Uncertain Significance.

AiLife Diagnostics
Classification: Uncertain significance. Last evaluated: 2021-06-29. Review status: criteria provided, single submitter. Criteria: ACMG Guidelines, 2015. Collection method: clinical testing. Allele origin: germline. Affected: yes. Observed: 1 variant allele.

Natera, Inc.
Classification: Uncertain significance for Usher syndrome type 1. Last evaluated: 2021-02-01. Review status: no assertion criteria provided. Collection method: clinical testing. Allele origin: germline. Not counted in ClinVar's aggregate classification.